The following is an entry in ClinVar:

NM_014946.4(SPAST):c.900del (p.Lys300fs)

Gene: SPAST (spastin; plus strand). Cytogenetic location: 2p22.3.
Variant type: Deletion.
Coding change: c.900del on transcript NM_014946.4 (MANE Select); coding-DNA position 900, one base deleted (A; older notation c.900delA).
Protein change: p.Lys300fs; shifts the reading frame from lysine 300.
Molecular consequence: frameshift variant.
Genome position (GRCh38, 1-based): chr2:32,115,731, A deleted; the last of 3 consecutive A bases (chr2:32,115,729-32,115,731); deleting any one gives the same sequence. VCF-style (leftmost placement, unchanged base first): chr2-32115728-TA-T. GRCh37 (hg19) VCF-style: chr2-32340797-TA-T.
Other names: c.897del, p.Lys299fs (NM_001363823.2); c.801del, p.Lys267fs (NM_001363875.2); c.804del, p.Lys268fs (NM_001377959.1, NM_199436.2); c.900delA, p.Lys300Asnfs (NM_014946.3); short protein forms K267fs, K300fs, K268fs, K299fs.
Identifiers: ClinVar variation 3571477 (VCV003571477.1).

ClinVar aggregate classification (germline): Pathogenic (1 of 4 stars; one submission).

Submission:

Athena Diagnostics
Classification: Pathogenic. Last evaluated: 2023-10-13. Review status: criteria provided, single submitter. Criteria: Athena Diagnostics Criteria. Collection method: clinical testing. Allele origin: unknown.
Comment: This variant is expected to result in the loss of a functional protein. This variant has been identified in at least one individual tested at Athena Diagnostics with clinical features associated with this gene. This variant has not been reported in large, multi-ethnic general populations.